The following is an entry in ClinVar:

ClinVar aggregate classification (germline): Uncertain significance (1 of 4 stars; one submission).

Conditions:
Ehlers-Danlos syndrome, kyphoscoliotic type 1 (EDSKSCL1). Also called: EHLERS-DANLOS SYNDROME, OCULAR-SCOLIOTIC TYPE; EHLERS-DANLOS SYNDROME, TYPE VIA; PLOD1-Related Kyphoscoliotic Ehlers-Danlos Syndrome; Ehlers-Danlos syndrome, hydroxylysine-deficient. Identifiers: Orphanet 1900, MedGen C0268342, MONDO:0016002, OMIM 225400. Disease mechanism: loss of function.

Allele frequency attached by ClinVar (database versions not stated): gnomAD exomes 0.00001 and 0.00002; ExAC 0.00002.
gnomAD v4.1: 4 of 1,613,370 alleles (0.00025%); highest among the groups gnomAD compares: Admixed American, 0.0067%; no homozygotes.

Submission:

Labcorp Genetics (formerly Invitae), Labcorp
Classification: Uncertain significance for Ehlers-Danlos syndrome, kyphoscoliotic type 1. Last evaluated: 2024-12-06. Review status: criteria provided, single submitter. Criteria: Invitae Variant Classification Sherloc (09022015). Collection method: clinical testing. Allele origin: germline.
Comment: This sequence change replaces asparagine, which is neutral and polar, with aspartic acid, which is acidic and polar, at codon 209 of the PLOD1 protein (p.Asn209Asp). This variant is present in population databases (rs746416126, gnomAD 0.006%). This variant has not been reported in the literature in individuals affected with PLOD1-related conditions. ClinVar contains an entry for this variant (Variation ID: 848115). Invitae Evidence Modeling of protein sequence and biophysical properties (such as structural, functional, and spatial information, amino acid conservation, physicochemical variation, residue mobility, and thermodynamic stability) has been performed for this missense variant. However, the output from this modeling did not meet the statistical confidence thresholds required to predict the impact of this variant on PLOD1 protein function. In summary, the available evidence is currently insufficient to determine the role of this variant in disease. Therefore, it has been classified as a Variant of Uncertain Significance.

NM_000302.4(PLOD1):c.625A>G (p.Asn209Asp)

Gene: PLOD1 (procollagen-lysine,2-oxoglutarate 5-dioxygenase 1; plus strand). Cytogenetic location: 1p36.22.
Variant type: single nucleotide variant.
Coding change: c.625A>G on transcript NM_000302.4 (MANE Select); coding-DNA position 625, A replaced by G.
Protein change: p.Asn209Asp; replaces asparagine 209 with aspartic acid.
Molecular consequence: missense variant.
Genome position (GRCh38, 1-based): chr1:11,954,875, A>G. VCF-style: chr1-11954875-A-G. GRCh37 (hg19) VCF-style: chr1-12014932-A-G.
Other names: c.766A>G, p.Asn256Asp (NM_001316320.2); short protein forms N256D, N209D.
Identifiers: ClinVar variation 848115 (VCV000848115.7), dbSNP rs746416126, ClinGen allele CA598013.